The following is an entry in ClinVar:

ClinVar aggregate classification (germline): Benign/Likely benign. Review status: criteria provided, multiple submitters, no conflicts (2 of 4 stars). 5 submissions from 5 submitters: Benign (1); Likely benign (3). 1 of the submissions does not count toward it. Last evaluated 2025-12-29.

Conditions:
Cardiovascular phenotype. Identifiers: MedGen CN230736.
MYH6-related disorder. Also called: MYH6-Related Disorders; MYH6-related condition.
Hypertrophic cardiomyopathy 14. Identifiers: MedGen C2750467, MONDO:0013197, OMIM 613251.

Allele frequency attached by ClinVar (database versions not stated): gnomAD exomes 0.00005 and 0.00010; ExAC 0.00011; ESP Exome Variant Server 0.00023; TOPMed 0.00049; gnomAD 0.00057 and 0.00062.
gnomAD v4.1: 145 of 1,364,718 alleles (0.011%); highest among the groups gnomAD compares: African/African-American, 0.21%; no homozygotes.

Submissions (5):

Labcorp Genetics (formerly Invitae), Labcorp
Classification: Benign for Hypertrophic cardiomyopathy 14. Last evaluated: 2025-12-29. Review status: criteria provided, single submitter. Criteria: Invitae Variant Classification Sherloc (09022015). Collection method: clinical testing. Allele origin: germline.

Blueprint Genetics
Classification: Likely benign. Last evaluated: 2023-04-17. Review status: criteria provided, single submitter. Criteria: ACMG Guidelines, 2015. Collection method: clinical testing. Allele origin: germline.

GeneDx
Classification: Likely benign. Last evaluated: 2020-11-27. Review status: criteria provided, single submitter. Criteria: GeneDx Variant Classification Process June 2021. Collection method: clinical testing. Allele origin: germline. Affected: yes.

Ambry Genetics
Classification: Likely benign for Cardiovascular phenotype. Last evaluated: 2015-04-08. Review status: criteria provided, single submitter. Criteria: Ambry Variant Classification Scheme 2023. Collection method: clinical testing. Allele origin: germline.

PreventionGenetics, part of Exact Sciences
Classification: Likely benign for MYH6-related condition. Last evaluated: 2022-12-08. Review status: no assertion criteria provided. Collection method: clinical testing. Allele origin: germline. Not counted in ClinVar's aggregate classification.
Comment: This variant is classified as likely benign based on ACMG/AMP sequence variant interpretation guidelines (Richards et al. 2015 PMID: 25741868, with internal and published modifications).

NM_002471.4(MYH6):c.5601G>A (p.Gln1867=)

Gene: MYH6 (myosin heavy chain 6; minus strand). Cytogenetic location: 14q11.2.
Variant type: single nucleotide variant.
Coding change: c.5601G>A on transcript NM_002471.4 (MANE Select); coding-DNA position 5601, G replaced by A.
Protein change: p.Gln1867=; no amino-acid change (glutamine 1867 retained).
Molecular consequence: synonymous variant.
Genome position (GRCh38, 1-based): chr14:23,383,285, C>T on the plus strand (G>A on the coding strand, the complement: MYH6 is on the minus strand). VCF-style: chr14-23383285-C-T. GRCh37 (hg19) VCF-style: chr14-23852494-C-T.
Identifiers: ClinVar variation 263989 (VCV000263989.21), dbSNP rs148984154, ClinGen allele CA7114335.